The following is an entry in ClinVar:

ClinVar aggregate classification (germline): Pathogenic/Likely pathogenic. Review status: criteria provided, multiple submitters, no conflicts (2 of 4 stars). 2 submissions from 2 submitters: Pathogenic (1); Likely pathogenic (1). Last evaluated 2025-07-02.

Conditions:
Methylmalonic aciduria, cblB type (MACB). Also called: METHYLMALONIC ACIDURIA, VITAMIN B12-RESPONSIVE, DUE TO DEFECT IN SYNTHESIS OF ADENOSYLCOBALAMIN, cblB TYPE; Methylmalonic acidemia cblB type; Vitamin B12-responsive methylmalonic acidemia type cblB. Identifiers: Orphanet 28, Orphanet 79311, MedGen C1855102, MONDO:0009614, OMIM 251110.

Submissions (2):

Myriad Genetics, Inc.
Classification: Pathogenic for Methylmalonic aciduria, cblB type. Last evaluated: 2025-07-02. Review status: criteria provided, single submitter. Criteria: Myriad Autosomal Dominant, Autosomal Recessive and X-Linked Classification Criteria (2023). Collection method: clinical testing. Allele origin: unknown.
Comment: NM_052845.3(MMAB):c.583_584delCG(R195Cfs*23) is a frameshift variant classified as pathogenic in the context of methylmalonic acidemia, cblB type. R195Cfs*23 has not been observed in cases with relevant disease. Relevant functional assessments of this variant are not available in the literature. R195Cfs*23 has not been observed in referenced population frequency databases. In summary, NM_052845.3(MMAB):c.583_584delCG(R195Cfs*23) is a frameshift variant in a gene where loss of function is a known mechanism of disease and is predicted to disrupt protein function. Please note: this variant was assessed in the context of healthy population screening.

Natera, Inc.
Classification: Likely pathogenic for Methylmalonic aciduria cblB type. Last evaluated: 2024-08-15. Review status: criteria provided, single submitter. Criteria: Natera Variant Classification Schema (03/2026). Collection method: clinical testing. Allele origin: germline.
Comment: The c.583_584del variant in MMAB is a frameshift variant predicted to shift the reading frame beginning at codon 195 and leads to a stop codon 23 codons downstream. This variant is expected to result in nonsense mediated decay, truncation, or a dysfunctional protein product. This variant is rare in the general population with a frequency below the threshold expected for the associated phenotype(s). Given the available evidence, this variant is classified as Likely Pathogenic.

NM_052845.4(MMAB):c.583_584del (p.Arg195fs)

Gene: MMAB (metabolism of cobalamin associated B; minus strand). Cytogenetic location: 12q24.11.
Variant type: Deletion.
Coding change: c.583_584del on transcript NM_052845.4 (MANE Select); coding-DNA positions 583 to 584, 2 bases deleted (CG; older notation c.583_584delCG).
Protein change: p.Arg195fs; shifts the reading frame from arginine 195.
Molecular consequence: frameshift variant. On other transcripts: non-coding transcript variant (1).
Genome position (GRCh38, 1-based): chr12:109,561,040-109,561,041, CG deleted on the plus strand (CG on the coding strand, the reverse complement: MMAB is on the minus strand). VCF-style (leftmost placement, unchanged base first): chr12-109561039-CCG-C. GRCh37 (hg19) VCF-style: chr12-109998844-CCG-C.
Other names: c.583_584del (NM_052845.3); short protein forms R195fs.
Identifiers: ClinVar variation 4081737 (VCV004081737.2).
Genomic context (GRCh38, chr12:109,561,039, plus strand): 5'-CCCCTCCCCCTTGTTCCTCTCCCTCTCCCTTGGGCCCTCTCCCTCTCTCCAGCCCTCTTA[CCG>C]TCTCTCGGCCCGGCGGCACACGGCCCGGCAGAAATGCAGCGCCGAGCTGATCTTGCCTCC-3'